The following is an entry in ClinVar:

ClinVar aggregate classification (germline): Benign/Likely benign. Review status: criteria provided, multiple submitters, no conflicts (2 of 4 stars). 8 submissions from 8 submitters: Benign (6); Likely benign (2). Last evaluated 2026-08-01.

Conditions:
Nicolaides-Baraitser syndrome (NCBRS). Also called: Intellectual disability-sparse hair-brachydactyly syndrome; SMARCA2-Related Nicolaides-Baraitser Syndrome. Identifiers: Orphanet 3051, MedGen C1303073, MONDO:0011053, OMIM 601358.
Inborn genetic diseases. Identifiers: MedGen C0950123, MeSH D030342.

Allele frequency attached by ClinVar (database versions not stated): 1000 Genomes Project 30x 0.00328; 1000 Genomes Project 0.00339; TOPMed 0.00415; ESP Exome Variant Server 0.00531.
gnomAD v4.1: 8,211 of 1,614,128 alleles (0.51%); highest among the groups gnomAD compares: Middle Eastern, 1.6%; 36 homozygotes.

Submissions (8):

CeGaT Center for Human Genetics Tuebingen
Classification: Benign. Last evaluated: 2026-08-01. Review status: criteria provided, single submitter. Criteria: CeGaT Center For Human Genetics Tuebingen Variant Classification Criteria Version 2. Collection method: clinical testing. Allele origin: germline. Affected: yes. Observed: 38 variant alleles.
Comment: SMARCA2: BP4, BP7, BS1, BS2

ARUP Laboratories, Molecular Genetics and Genomics, ARUP Laboratories
Classification: Benign. Last evaluated: 2025-03-26. Review status: criteria provided, single submitter. Criteria: ARUP Molecular Germline Variant Investigation Process 2024. Collection method: clinical testing. Allele origin: germline.

Labcorp Genetics (formerly Invitae), Labcorp
Classification: Benign. Last evaluated: 2022-06-13. Review status: criteria provided, single submitter. Criteria: Invitae Variant Classification Sherloc (09022015). Collection method: clinical testing. Allele origin: germline.

Genetic Services Laboratory, University of Chicago
Classification: Benign. Last evaluated: 2019-12-27. Review status: criteria provided, single submitter. Criteria: ACMG Guidelines, 2015. Collection method: clinical testing. Allele origin: germline. Affected: no.

GeneDx
Classification: Benign. Last evaluated: 2018-12-21. Review status: criteria provided, single submitter. Criteria: GeneDx Variant Classification Process June 2021. Collection method: clinical testing. Allele origin: germline. Affected: yes.

Illumina Laboratory Services, Illumina
Classification: Benign for Nicolaides-Baraitser syndrome. Last evaluated: 2018-01-12. Review status: criteria provided, single submitter. Criteria: ICSL Variant Classification Criteria 13 December 2019. Collection method: clinical testing. Allele origin: germline.
Comment: This variant was observed in the ICSL laboratory as part of a predisposition screen in an ostensibly healthy population. It had not been previously curated by ICSL or reported in the Human Gene Mutation Database (HGMD: prior to June 1st, 2018), and was therefore a candidate for classification through an automated scoring system. Utilizing variant allele frequency, disease prevalence and penetrance estimates, and inheritance mode, an automated score was calculated to assess if this variant is too frequent to cause the disease. Based on the score and internal cut-off values, a variant classified as benign is not then subjected to further curation. The score for this variant resulted in a classification of benign for this disease.

Ambry Genetics
Classification: Likely benign for Inborn genetic diseases. Last evaluated: 2016-07-05. Review status: criteria provided, single submitter. Criteria: Ambry Variant Classification Scheme 2023. Collection method: clinical testing. Allele origin: germline.

Breakthrough Genomics
Classification: Likely benign. Review status: criteria provided, single submitter. Criteria: ACMG Guidelines, 2015. Collection method: not provided. Allele origin: germline. Inheritance: Autosomal dominant inheritance. Affected: yes.

NM_003070.5(SMARCA2):c.483G>T (p.Pro161=)

Gene: SMARCA2 (SWI/SNF related BAF chromatin remodeling complex subunit ATPase 2; plus strand). Cytogenetic location: 9p24.3.
Variant type: single nucleotide variant.
Coding change: c.483G>T on transcript NM_003070.5 (MANE Select); coding-DNA position 483, G replaced by T.
Protein change: p.Pro161=; no amino-acid change (proline 161 retained).
Molecular consequence: synonymous variant.
Genome position (GRCh38, 1-based): chr9:2,039,593, G>T. VCF-style: chr9-2039593-G-T. GRCh37 (hg19) VCF-style: chr9-2039593-G-T.
Other names: c.483G>T, p.Pro161= (NM_001289396.2, NM_001289397.2, NM_139045.4).
Identifiers: ClinVar variation 366196 (VCV000366196.55), dbSNP rs146359524, ClinGen allele CA4962868.
Genomic context (GRCh38, chr9:2,039,593, plus strand): 5'-AGGCCCAACTCCACCTCAGATGCCACCAAGCCAGCCGGGGGCCCTCATCCCAGGTGATCC[G>T]CAGGCCATGAGCCAGCCCAACAGAGGTCCCTCACCTTTCAGTCCTGTCCAGCTGCATCAG-3'
Protein context (NP_003061.3, residues 151-171): SQPGALIPGD[Pro161=]QAMSQPNRGP